The following is an entry in ClinVar:

NM_001042432.2(CLN3):c.319C>T (p.Pro107Ser)

Gene: CLN3 (CLN3 lysosomal/endosomal transmembrane protein, battenin; minus strand). Cytogenetic location: 16p12.1.
Variant type: single nucleotide variant.
Coding change: c.319C>T on transcript NM_001042432.2 (MANE Select); coding-DNA position 319, C replaced by T.
Protein change: p.Pro107Ser; replaces proline 107 with serine.
Molecular consequence: missense variant. On other transcripts: intron variant (1).
Genome position (GRCh38, 1-based): chr16:28,487,717, G>A on the plus strand (C>T on the coding strand, the complement: CLN3 is on the minus strand). VCF-style: chr16-28487717-G-A. GRCh37 (hg19) VCF-style: chr16-28499038-G-A.
Other names: c.319C>T, p.Pro107Ser (NM_000086.2); c.247C>T, p.Pro83Ser (NM_001286104.2); c.85C>T, p.Pro29Ser (NM_001286109.2); c.157C>T, p.Pro53Ser (NM_001286110.2); c.75-176C>T (NM_001286105.2); short protein forms P107S, P29S, P83S, P53S.
Identifiers: ClinVar variation 434791 (VCV000434791.12), dbSNP rs149095062, ClinGen allele CA7980973.

ClinVar aggregate classification (germline): Uncertain significance. Review status: criteria provided, multiple submitters, no conflicts (2 of 4 stars). 4 submissions from 4 submitters: Uncertain significance (4). Last evaluated 2024-09-04.

Conditions:
Neuronal ceroid lipofuscinosis. Also called: Neuronal Ceroid Lipofuscinoses. Identifiers: Orphanet 216, Orphanet 79263, MedGen C0027877, MONDO:0016295. Disease mechanism: loss of function.
Neuronal ceroid lipofuscinosis 3 (CLN3). Identifiers: Orphanet 228346, MedGen C0751383, MONDO:0008767, OMIM 204200.

Allele frequency attached by ClinVar (database versions not stated): gnomAD 0.00001; gnomAD exomes 0.00001 and 0.00002; ExAC 0.00002; TOPMed 0.00002; ESP Exome Variant Server 0.00008.
gnomAD v4.1: 30 of 1,613,654 alleles (0.0019%); highest among the groups gnomAD compares: Non-Finnish European, 0.0025%; no homozygotes.

Submissions (4):

GeneDx
Classification: Uncertain significance. Last evaluated: 2024-09-04. Review status: criteria provided, single submitter. Criteria: GeneDx Variant Classification Process June 2021. Collection method: clinical testing. Allele origin: germline. Affected: yes.
Comment: Not observed at significant frequency in large population cohorts (gnomAD); In silico analysis supports that this missense variant has a deleterious effect on protein structure/function; Has not been previously published as pathogenic or benign to our knowledge

Labcorp Genetics (formerly Invitae), Labcorp
Classification: Uncertain significance for Neuronal ceroid lipofuscinosis. Last evaluated: 2022-10-18. Review status: criteria provided, single submitter. Criteria: Invitae Variant Classification Sherloc (09022015). Collection method: clinical testing. Allele origin: germline.
Comment: This sequence change replaces proline, which is neutral and non-polar, with serine, which is neutral and polar, at codon 107 of the CLN3 protein (p.Pro107Ser). This variant is present in population databases (rs149095062, gnomAD 0.002%). This variant has not been reported in the literature in individuals affected with CLN3-related conditions. ClinVar contains an entry for this variant (Variation ID: 434791). Advanced modeling of protein sequence and biophysical properties (such as structural, functional, and spatial information, amino acid conservation, physicochemical variation, residue mobility, and thermodynamic stability) performed at Invitae indicates that this missense variant is expected to disrupt CLN3 protein function. In summary, the available evidence is currently insufficient to determine the role of this variant in disease. Therefore, it has been classified as a Variant of Uncertain Significance.

Genome-Nilou Lab
Classification: Uncertain significance for Neuronal ceroid lipofuscinosis 3. Last evaluated: 2021-09-05. Review status: criteria provided, single submitter. Criteria: ACMG Guidelines, 2015. Collection method: clinical testing. Allele origin: germline. Affected: no.

Genetic Services Laboratory, University of Chicago
Classification: Uncertain significance. Last evaluated: 2015-12-14. Review status: criteria provided, single submitter. Criteria: ACMG Guidelines, 2015. Collection method: clinical testing. Allele origin: germline. Affected: no.